The following is an entry in ClinVar:

NM_006206.6(PDGFRA):c.2833C>T (p.His945Tyr)

Gene: PDGFRA (platelet derived growth factor receptor alpha; plus strand). Cytogenetic location: 4q12.
Variant type: single nucleotide variant.
Coding change: c.2833C>T on transcript NM_006206.6 (MANE Select); coding-DNA position 2833, C replaced by T.
Protein change: p.His945Tyr; replaces histidine 945 with tyrosine.
Molecular consequence: missense variant.
Genome position (GRCh38, 1-based): chr4:54,289,067, C>T. VCF-style: chr4-54289067-C-T. GRCh37 (hg19) VCF-style: chr4-55155234-C-T.
Other names: c.2908C>T, p.His970Tyr (NM_001347828.2); c.2833C>T, p.His945Tyr (NM_001347829.2); c.2872C>T, p.His958Tyr (NM_001347830.2); short protein forms H958Y, H945Y, H970Y.
Identifiers: ClinVar variation 3643879 (VCV003643879.2).

ClinVar aggregate classification (germline): Uncertain significance (1 of 4 stars; one submission).

Conditions:
Gastrointestinal stromal tumor. Also called: Gastrointestinal stromal tumor, somatic; Gastrointestinal stroma tumor. Identifiers: Orphanet 44890, MedGen C0238198, MeSH D046152, MONDO:0011719, OMIM 606764, HP:0100723.

gnomAD v4.1: 3 of 1,610,568 alleles (0.00019%); highest among the groups gnomAD compares: African/African-American, 0.0013%; no homozygotes.

Submission:

Labcorp Genetics (formerly Invitae), Labcorp
Classification: Uncertain significance for Gastrointestinal stromal tumor. Last evaluated: 2024-04-03. Review status: criteria provided, single submitter. Criteria: Invitae Variant Classification Sherloc (09022015). Collection method: clinical testing. Allele origin: germline.
Comment: This sequence change replaces histidine, which is basic and polar, with tyrosine, which is neutral and polar, at codon 945 of the PDGFRA protein (p.His945Tyr). This variant is not present in population databases (gnomAD no frequency). This variant has not been reported in the literature in individuals affected with PDGFRA-related conditions. Advanced modeling of protein sequence and biophysical properties (such as structural, functional, and spatial information, amino acid conservation, physicochemical variation, residue mobility, and thermodynamic stability) performed at Invitae indicates that this missense variant is not expected to disrupt PDGFRA protein function with a negative predictive value of 80%. In summary, the available evidence is currently insufficient to determine the role of this variant in disease. Therefore, it has been classified as a Variant of Uncertain Significance.